The following is an entry in ClinVar:

ClinVar aggregate classification (germline): Uncertain significance. Review status: criteria provided, single submitter (1 of 4 stars). 2 submissions from 2 submitters: Uncertain significance (1). 1 of the submissions does not count toward it. Last evaluated 2024-03-12.

Conditions:
Bardet-Biedl syndrome 9 (BBS9). Identifiers: Orphanet 110, MedGen C1859567, MONDO:0014437, OMIM 615986.
BBS9-related disorder. Also called: BBS9-related condition.

Submissions (2):

3billion
Classification: Uncertain significance for Bardet-Biedl syndrome 9. Last evaluated: 2024-03-12. Review status: criteria provided, single submitter. Criteria: ACMG Guidelines, 2015. Collection method: clinical testing. Allele origin: germline. Affected: yes.
Comment: The variant is not observed in the gnomAD v2.1.1 dataset. Predicted Consequence/Location: The majority of the known disease-causing variants of this gene are variants expected to result in premature termination of the protein. In silico tool predictions suggest damaging effect of the variant on gene or gene product [REVEL: 0.92 (>=0.6, sensitivity 0.68 and specificity 0.92); 3Cnet: 0.89 (>=0.6, sensitivity 0.72 and precision 0.9)]. Therefore, this variant is classified as VUS according to the recommendation of ACMG/AMP guideline.

PreventionGenetics, part of Exact Sciences
Classification: Uncertain significance for BBS9-related condition. Last evaluated: 2024-08-04. Review status: no assertion criteria provided. Collection method: clinical testing. Allele origin: germline. Not counted in ClinVar's aggregate classification.
Comment: The BBS9 c.866G>A variant is predicted to result in the amino acid substitution p.Cys289Tyr. To our knowledge, this variant has not been reported in the literature or in a large population database, indicating this variant is rare. At this time, the clinical significance of this variant is uncertain due to the absence of conclusive functional and genetic evidence.

NM_198428.3(BBS9):c.866G>A (p.Cys289Tyr)

Gene: BBS9 (Bardet-Biedl syndrome 9; plus strand). Cytogenetic location: 7p14.3.
Variant type: single nucleotide variant.
Coding change: c.866G>A on transcript NM_198428.3 (MANE Select); coding-DNA position 866, G replaced by A.
Protein change: p.Cys289Tyr; replaces cysteine 289 with tyrosine.
Molecular consequence: missense variant. On other transcripts: non-coding transcript variant (3).
Genome position (GRCh38, 1-based): chr7:33,273,175, G>A. VCF-style: chr7-33273175-G-A. GRCh37 (hg19) VCF-style: chr7-33312787-G-A.
Other names: c.866G>A, p.Cys289Tyr (NM_001033604.2, NM_001033605.2, NM_001348036.1 and 5 more transcripts); c.500G>A, p.Cys167Tyr (NM_001348037.3, NM_001348044.3, NM_001348045.3 and 1 more transcripts); c.593G>A, p.Cys198Tyr (NM_001348038.3, NM_001348039.3); c.731G>A, p.Cys244Tyr (NM_001348042.3); short protein forms C167Y, C198Y, C244Y, C289Y.
Identifiers: ClinVar variation 3347453 (VCV003347453.2).